The following is an entry in ClinVar:

NM_000090.4(COL3A1):c.3172G>A (p.Ala1058Thr)

Gene: COL3A1 (collagen type III alpha 1 chain; plus strand). Cytogenetic location: 2q32.2.
Variant type: single nucleotide variant.
Coding change: c.3172G>A on transcript NM_000090.4 (MANE Select); coding-DNA position 3172, G replaced by A.
Protein change: p.Ala1058Thr; replaces alanine 1058 with threonine.
Molecular consequence: missense variant.
Genome position (GRCh38, 1-based): chr2:189,006,423, G>A. VCF-style: chr2-189006423-G-A. GRCh37 (hg19) VCF-style: chr2-189871149-G-A.
Other names: short protein forms A1058T.
Identifiers: ClinVar variation 922528 (VCV000922528.5), dbSNP rs1576471863, ClinGen allele CA349845150.

ClinVar aggregate classification (germline): Uncertain significance (1 of 4 stars; one submission).

Conditions:
Familial thoracic aortic aneurysm and aortic dissection (TAAD). Also called: Thoracic aortic aneurysms and dissections. Identifiers: Orphanet 91387, MedGen C4707243, MONDO:0019625.

Submission:

Color Diagnostics, LLC DBA Color Health
Classification: Uncertain significance for Familial thoracic aortic aneurysm and aortic dissection. Last evaluated: 2023-12-05. Review status: criteria provided, single submitter. Criteria: ACMG Guidelines, 2015. Collection method: clinical testing. Allele origin: germline.
Comment: This missense variant replaces alanine with threonine at codon 1058 of the COL3A1 protein. Computational prediction tools and conservation analyses are inconclusive regarding the impact of this variant on the protein function. Computational splicing tools suggest that this variant may not impact RNA splicing. To our knowledge, functional assays have not been performed for this variant nor has this variant been reported in individuals affected with cardiovascular disorders in the literature. This variant has not been identified in the general population by the Genome Aggregation Database (gnomAD). Available evidence is insufficient to determine the role of this variant in disease conclusively. Therefore, this variant is classified as a Variant of Uncertain Significance.